The following is an entry in ClinVar:

NM_007118.4(TRIO):c.9067G>A (p.Ala3023Thr)

Gene: TRIO (trio Rho guanine nucleotide exchange factor; plus strand). Cytogenetic location: 5p15.2.
Variant type: single nucleotide variant.
Coding change: c.9067G>A on transcript NM_007118.4 (MANE Select); coding-DNA position 9067, G replaced by A.
Protein change: p.Ala3023Thr; replaces alanine 3023 with threonine.
Molecular consequence: missense variant. On other transcripts: non-coding transcript variant (1).
Genome position (GRCh38, 1-based): chr5:14,508,195, G>A. VCF-style: chr5-14508195-G-A. GRCh37 (hg19) VCF-style: chr5-14508304-G-A.
Other names: short protein forms A3023T.
Identifiers: ClinVar variation 3774189 (VCV003774189.1).

ClinVar aggregate classification (germline): Uncertain significance (1 of 4 stars; one submission).

gnomAD v4.1: 4 of 1,614,136 alleles (0.00025%); highest among the groups gnomAD compares: Non-Finnish European, 0.00034%; no homozygotes.

Submission:

GeneDx
Classification: Uncertain significance. Last evaluated: 2024-09-23. Review status: criteria provided, single submitter. Criteria: GeneDx Variant Classification Process June 2021. Collection method: clinical testing. Allele origin: germline. Affected: yes.
Comment: Not observed at significant frequency in large population cohorts (gnomAD); In silico analysis supports that this missense variant has a deleterious effect on protein structure/function; Has not been previously published as pathogenic or benign to our knowledge